The following is an entry in ClinVar:

NM_145045.5(ODAD3):c.1345A>G (p.Lys449Glu)

Gene: ODAD3 (outer dynein arm docking complex subunit 3; minus strand). Cytogenetic location: 19p13.2.
Variant type: single nucleotide variant.
Coding change: c.1345A>G on transcript NM_145045.5 (MANE Select); coding-DNA position 1345, A replaced by G.
Protein change: p.Lys449Glu; replaces lysine 449 with glutamic acid.
Molecular consequence: missense variant.
Genome position (GRCh38, 1-based): chr19:11,422,560, T>C on the plus strand (A>G on the coding strand, the complement: ODAD3 is on the minus strand). VCF-style: chr19-11422560-T-C. GRCh37 (hg19) VCF-style: chr19-11533228-T-C.
Other names: c.1183A>G, p.Lys395Glu (NM_001302453.1); c.1165A>G, p.Lys389Glu (NM_001302454.2); c.1345A>G (NM_145045.4); short protein forms K389E, K395E, K449E.
Identifiers: ClinVar variation 1682762 (VCV001682762.8), dbSNP rs371948361, ClinGen allele CA9212054.
Genomic context (GRCh38, chr19:11,422,560, plus strand): 5'-GGTGCTCCAGGCTGTCCTTGGCCACTTGCATCGCCCGCAAGGCGCGCTCCAGCTGGTCCT[T>C]GGCCTCGGCGTGCCGCCGCTCCTCCTTCTTGAGACGCTCCTGCGCCTCGGCTTGCAGTTT-3'
Protein context (NP_659482.3, residues 439-459): KKEERRHAEA[Lys449Glu]DQLERALRAM

ClinVar aggregate classification (germline): Uncertain significance. Review status: criteria provided, multiple submitters, no conflicts (2 of 4 stars). 2 submissions from 2 submitters: Uncertain significance (2). Last evaluated 2024-09-03.

Conditions:
Inborn genetic diseases. Identifiers: MedGen C0950123, MeSH D030342.
Primary ciliary dyskinesia 30. Also called: CILIARY DYSKINESIA, PRIMARY, 30, WITH OR WITHOUT SITUS INVERSUS. Identifiers: Orphanet 244, MedGen C4015016, MONDO:0014465, OMIM 616037.

Allele frequency attached by ClinVar (database versions not stated): gnomAD exomes 0.00003; ExAC 0.00004; gnomAD 0.00007; ESP Exome Variant Server 0.00008; TOPMed 0.00008.
gnomAD v4.1: 46 of 1,591,740 alleles (0.0029%); highest among the groups gnomAD compares: African/African-American, 0.028%; no homozygotes.

Submissions (2):

Ambry Genetics
Classification: Uncertain significance for Inborn genetic diseases. Last evaluated: 2024-09-03. Review status: criteria provided, single submitter. Criteria: Ambry Variant Classification Scheme 2023. Collection method: clinical testing. Allele origin: germline.

Labcorp Genetics (formerly Invitae), Labcorp
Classification: Uncertain significance for Primary ciliary dyskinesia 30. Last evaluated: 2022-07-12. Review status: criteria provided, single submitter. Criteria: Invitae Variant Classification Sherloc (09022015). Collection method: clinical testing. Allele origin: germline.
Comment: This sequence change replaces lysine, which is basic and polar, with glutamic acid, which is acidic and polar, at codon 449 of the CCDC151 protein (p.Lys449Glu). This variant is present in population databases (rs371948361, gnomAD 0.03%). This variant has not been reported in the literature in individuals affected with CCDC151-related conditions. ClinVar contains an entry for this variant (Variation ID: 1682762). Algorithms developed to predict the effect of missense changes on protein structure and function (SIFT, PolyPhen-2, Align-GVGD) all suggest that this variant is likely to be tolerated. In summary, the available evidence is currently insufficient to determine the role of this variant in disease. Therefore, it has been classified as a Variant of Uncertain Significance.